The following is an entry in ClinVar:

ClinVar aggregate classification (germline): Benign/Likely benign. Review status: criteria provided, multiple submitters, no conflicts (2 of 4 stars). 2 submissions from 2 submitters: Benign (1); Likely benign (1). Last evaluated 2026-04-28.

Conditions:
Colorectal cancer, hereditary nonpolyposis, type 7. Identifiers: Orphanet 144, MedGen C1858380, MONDO:0013725, OMIM 614385.

Allele frequency attached by ClinVar (database versions not stated): 1000 Genomes Project 0.00020; gnomAD exomes below 0.00001; 1000 Genomes Project 30x 0.00016; ExAC 0.00001.
gnomAD v4.1: 4 of 1,614,024 alleles (0.00025%); highest among the groups gnomAD compares: South Asian, 0.0044%; no homozygotes.

Submissions (2):

Myriad Genetics, Inc.
Classification: Benign for Colorectal cancer, hereditary nonpolyposis, type 7. Last evaluated: 2026-04-28. Review status: criteria provided, single submitter. Criteria: Myriad Autosomal Dominant, Autosomal Recessive and X-Linked Classification Criteria (2023). Collection method: clinical testing. Allele origin: unknown.
Comment: This variant is considered benign. This variant is a silent/synonymous amino acid change and it is not expected to impact splicing.

Ambry Genetics
Classification: Likely benign. Last evaluated: 2019-08-30. Review status: criteria provided, single submitter. Criteria: Ambry Variant Classification Scheme 2023. Collection method: clinical testing. Allele origin: germline.

NM_001040108.2(MLH3):c.258T>C (p.Asn86=)

Gene: MLH3 (mutL homolog 3; minus strand). Cytogenetic location: 14q24.3.
Variant type: single nucleotide variant.
Coding change: c.258T>C on transcript NM_001040108.2 (MANE Select); coding-DNA position 258, T replaced by C.
Protein change: p.Asn86=; no amino-acid change (asparagine 86 retained).
Molecular consequence: synonymous variant.
Genome position (GRCh38, 1-based): chr14:75,049,398, A>G on the plus strand (T>C on the coding strand, the complement: MLH3 is on the minus strand). VCF-style: chr14-75049398-A-G. GRCh37 (hg19) VCF-style: chr14-75516101-A-G.
Other names: c.258T>C, p.Asn86= (NM_014381.3).
Identifiers: ClinVar variation 1793507 (VCV001793507.3), dbSNP rs547799821, ClinGen allele CA7276067.